The following is an entry in ClinVar:

NM_001853.4(COL9A3):c.121G>A (p.Gly41Arg)

Gene: COL9A3 (collagen type IX alpha 3 chain; plus strand). Cytogenetic location: 20q13.33.
Variant type: single nucleotide variant.
Coding change: c.121G>A on transcript NM_001853.4 (MANE Select); coding-DNA position 121, G replaced by A.
Protein change: p.Gly41Arg; replaces glycine 41 with arginine.
Molecular consequence: missense variant.
Genome position (GRCh38, 1-based): chr20:62,817,609, G>A. VCF-style: chr20-62817609-G-A. GRCh37 (hg19) VCF-style: chr20-61448961-G-A.
Other names: short protein forms G41R.
Identifiers: ClinVar variation 4883722 (VCV004883722.2).

ClinVar aggregate classification (germline): Uncertain significance (1 of 4 stars; one submission).

Conditions:
Stickler syndrome, type 6. Also called: Stickler syndrome, type VI; Stickler syndrome, IIa 6. Identifiers: MedGen C5774207, MONDO:0031047, OMIM 620022.

Submission:

Dasa
Classification: Uncertain significance for Stickler syndrome, type 6. Last evaluated: 2025-11-17. Review status: criteria provided, single submitter. Criteria: DASA Assertion Criteria. Collection method: clinical testing. Allele origin: germline.
Comment: NM_001853.4(COL9A3):c.121G>A (p.Gly41Arg) is a missense variant that results in the substitution of glycine with arginine. This variant is rare in population databases. Computational prediction algorithms are consistent with a deleterious effect. The currently available literature and clinical evidence are not sufficient to establish a definitive association between this variant and the reported condition. Therefore, this variant is classified as a variant of uncertain significance.